The following is an entry in ClinVar:

ClinVar aggregate classification (germline): Likely benign. Review status: criteria provided, multiple submitters, no conflicts (2 of 4 stars). 4 submissions from 4 submitters: Likely benign (4). Last evaluated 2026-02-01.

Conditions:
Ehlers-Danlos syndrome, kyphoscoliotic type 1 (EDSKSCL1). Also called: Ehlers-Danlos syndrome, hydroxylysine-deficient; PLOD1-Related Kyphoscoliotic Ehlers-Danlos Syndrome; EHLERS-DANLOS SYNDROME, OCULAR-SCOLIOTIC TYPE; EHLERS-DANLOS SYNDROME, TYPE VIA. Identifiers: Orphanet 1900, MedGen C0268342, MONDO:0016002, OMIM 225400. Disease mechanism: loss of function.
Familial thoracic aortic aneurysm and aortic dissection (TAAD). Also called: Thoracic aortic aneurysms and dissections. Identifiers: Orphanet 91387, MedGen C4707243, MONDO:0019625.

Allele frequency attached by ClinVar (database versions not stated): ExAC 0.00001; gnomAD exomes 0.00003 and 0.00006; gnomAD 0.00004 and 0.00005; TOPMed 0.00005; 1000 Genomes Project 30x 0.00016.
gnomAD v4.1: 96 of 1,614,124 alleles (0.0059%); highest among the groups gnomAD compares: Non-Finnish European, 0.0078%; no homozygotes.

Submissions (4):

Labcorp Genetics (formerly Invitae), Labcorp
Classification: Likely benign for Ehlers-Danlos syndrome, kyphoscoliotic type 1. Last evaluated: 2026-02-01. Review status: criteria provided, single submitter. Criteria: Invitae Variant Classification Sherloc (09022015). Collection method: clinical testing. Allele origin: germline.

Women's Health and Genetics/Laboratory Corporation of America, LabCorp
Classification: Likely benign. Last evaluated: 2025-12-02. Review status: criteria provided, single submitter. Criteria: LabCorp Variant Classification Summary - May 2015. Collection method: clinical testing. Allele origin: germline.

Mayo Clinic Laboratories, Mayo Clinic
Classification: Likely benign. Last evaluated: 2025-06-03. Review status: criteria provided, single submitter. Criteria: ACMG Guidelines, 2015. Collection method: clinical testing. Allele origin: germline. Observed: 1 variant allele.
Comment: BP4, BP7, PM2_supporting

Ambry Genetics
Classification: Likely benign for Familial thoracic aortic aneurysm and aortic dissection. Last evaluated: 2022-04-23. Review status: criteria provided, single submitter. Criteria: Ambry Variant Classification Scheme 2023. Collection method: clinical testing. Allele origin: germline.

NM_000302.4(PLOD1):c.930G>A (p.Arg310=)

Gene: PLOD1 (procollagen-lysine,2-oxoglutarate 5-dioxygenase 1; plus strand). Cytogenetic location: 1p36.22.
Variant type: single nucleotide variant.
Coding change: c.930G>A on transcript NM_000302.4 (MANE Select); coding-DNA position 930, G replaced by A.
Protein change: p.Arg310=; no amino-acid change (arginine 310 retained).
Molecular consequence: synonymous variant.
Genome position (GRCh38, 1-based): chr1:11,958,602, G>A. VCF-style: chr1-11958602-G-A. GRCh37 (hg19) VCF-style: chr1-12018659-G-A.
Other names: p.Arg310=; c.1071G>A, p.Arg357= (NM_001316320.2).
Identifiers: ClinVar variation 1115799 (VCV001115799.13), dbSNP rs751800110, ClinGen allele CA598199.